The following is an entry in ClinVar:

ClinVar aggregate classification (germline): Uncertain significance. Review status: criteria provided, multiple submitters, no conflicts (2 of 4 stars). 3 submissions from 3 submitters: Uncertain significance (3). Last evaluated 2025-05-19.

Conditions:
Ullrich congenital muscular dystrophy 2 (UCMD2). Identifiers: Orphanet 75840, MedGen C4225314, MONDO:0014654, OMIM 616470.
Bethlem myopathy 2 (BTHLM2). Identifiers: Orphanet 536516, Orphanet 610, MedGen C4225313, MONDO:0034022, OMIM 616471.
Inborn genetic diseases. Identifiers: MedGen C0950123, MeSH D030342.

Allele frequency attached by ClinVar (database versions not stated): gnomAD exomes below 0.00001 and 0.00001; TOPMed below 0.00001; gnomAD 0.00001.
gnomAD v4.1: 5 of 1,611,922 alleles (0.00031%); highest among the groups gnomAD compares: Admixed American, 0.0067%; no homozygotes.

Submissions (3):

Ambry Genetics
Classification: Uncertain significance for Inborn genetic diseases. Last evaluated: 2025-05-19. Review status: criteria provided, single submitter. Criteria: Ambry Variant Classification Scheme 2023. Collection method: clinical testing. Allele origin: germline.

Labcorp Genetics (formerly Invitae), Labcorp
Classification: Uncertain significance for Bethlem myopathy 2; Ullrich congenital muscular dystrophy 2. Last evaluated: 2023-10-27. Review status: criteria provided, single submitter. Criteria: Invitae Variant Classification Sherloc (09022015). Collection method: clinical testing. Allele origin: germline.
Comment: This sequence change replaces asparagine, which is neutral and polar, with serine, which is neutral and polar, at codon 2340 of the COL12A1 protein (p.Asn2340Ser). This variant is present in population databases (no rsID available, gnomAD 0.006%). This variant has not been reported in the literature in individuals affected with COL12A1-related conditions. ClinVar contains an entry for this variant (Variation ID: 1317359). Advanced modeling of protein sequence and biophysical properties (such as structural, functional, and spatial information, amino acid conservation, physicochemical variation, residue mobility, and thermodynamic stability) performed at Invitae indicates that this missense variant is not expected to disrupt COL12A1 protein function with a negative predictive value of 80%. In summary, the available evidence is currently insufficient to determine the role of this variant in disease. Therefore, it has been classified as a Variant of Uncertain Significance.

GeneDx
Classification: Uncertain significance. Last evaluated: 2020-10-16. Review status: criteria provided, single submitter. Criteria: GeneDx Variant Classification Process June 2021. Collection method: clinical testing. Allele origin: germline. Affected: yes.
Comment: Has not been previously published as pathogenic or benign to our knowledge; In silico analysis supports that this missense variant does not alter protein structure/function

NM_004370.6(COL12A1):c.7019A>G (p.Asn2340Ser)

Gene: COL12A1 (collagen type XII alpha 1 chain; minus strand). Cytogenetic location: 6q13.
Variant type: single nucleotide variant.
Coding change: c.7019A>G on transcript NM_004370.6 (MANE Select); coding-DNA position 7019, A replaced by G.
Protein change: p.Asn2340Ser; replaces asparagine 2340 with serine.
Molecular consequence: missense variant.
Genome position (GRCh38, 1-based): chr6:75,121,369, T>C on the plus strand (A>G on the coding strand, the complement: COL12A1 is on the minus strand). VCF-style: chr6-75121369-T-C. GRCh37 (hg19) VCF-style: chr6-75831085-T-C.
Other names: c.3527A>G, p.Asn1176Ser (NM_080645.3); short protein forms N1176S, N2340S.
Identifiers: ClinVar variation 1317359 (VCV001317359.8), dbSNP rs1474542485, ClinGen allele CA364750038.